The following is an entry in ClinVar:

NM_144687.4(NLRP12):c.1174A>G (p.Arg392Gly)

Gene: NLRP12 (NLR family pyrin domain containing 12; minus strand). Cytogenetic location: 19q13.42.
Variant type: single nucleotide variant.
Coding change: c.1174A>G on transcript NM_144687.4 (MANE Select); coding-DNA position 1174, A replaced by G.
Protein change: p.Arg392Gly; replaces arginine 392 with glycine.
Molecular consequence: missense variant.
Genome position (GRCh38, 1-based): chr19:53,810,485, T>C on the plus strand (A>G on the coding strand, the complement: NLRP12 is on the minus strand). VCF-style: chr19-53810485-T-C. GRCh37 (hg19) VCF-style: chr19-54313739-T-C.
Other names: c.1174A>G, p.Arg392Gly (NM_001277126.2, NM_001277129.1); short protein forms R392G.
Identifiers: ClinVar variation 1703340 (VCV001703340.2), dbSNP rs2514342761, ClinGen allele CA407414632.

ClinVar aggregate classification (germline): Uncertain significance (1 of 4 stars; one submission).

Submission:

GeneDx
Classification: Uncertain significance. Last evaluated: 2022-08-30. Review status: criteria provided, single submitter. Criteria: GeneDx Variant Classification Process June 2021. Collection method: clinical testing. Allele origin: germline. Affected: yes.
Comment: Not observed at significant frequency in large population cohorts (gnomAD); In silico analysis supports that this missense variant has a deleterious effect on protein structure/function; Has not been previously published as pathogenic or benign to our knowledge